The following is an entry in ClinVar:

ClinVar aggregate classification (germline): Benign/Likely benign. Review status: criteria provided, multiple submitters, no conflicts (2 of 4 stars). 6 submissions from 6 submitters: Benign (3); Likely benign (3). Last evaluated 2026-01-31.

Conditions:
Epilepsy, childhood absence, susceptibility to, 6. Identifiers: Orphanet 64280, MedGen C2749872, MONDO:0012763, OMIM 611942.
Hyperaldosteronism, familial, type IV (HALD4). Also called: FH IV; ALDOSTERONISM, PRIMARY, AND HYPERTENSION. Identifiers: Orphanet 642671, MedGen C4310756, MONDO:0014875, OMIM 617027.
Idiopathic generalized epilepsy. Also called: Generalised epilepsy; EIG. Identifiers: MedGen C0270850, MONDO:0005579, OMIM 600669.

Allele frequency attached by ClinVar (database versions not stated): ESP Exome Variant Server 0.00057; gnomAD 0.00065 and 0.00079; TOPMed 0.00089; 1000 Genomes Project 30x 0.00094; 1000 Genomes Project 0.00100; gnomAD exomes 0.00115; ExAC 0.00156.
gnomAD v4.1: 921 of 1,599,600 alleles (0.058%); highest among the groups gnomAD compares: South Asian, 0.59%; 5 homozygotes.

Submissions (6):

Labcorp Genetics (formerly Invitae), Labcorp
Classification: Benign for Idiopathic generalized epilepsy; Hyperaldosteronism, familial, type IV. Last evaluated: 2026-01-31. Review status: criteria provided, single submitter. Criteria: Invitae Variant Classification Sherloc (09022015). Collection method: clinical testing. Allele origin: germline.

Blueprint Genetics
Classification: Likely benign. Last evaluated: 2024-11-21. Review status: criteria provided, single submitter. Criteria: ACMG Guidelines, 2015. Collection method: clinical testing. Allele origin: germline.

CeGaT Center for Human Genetics Tuebingen
Classification: Likely benign. Last evaluated: 2023-04-01. Review status: criteria provided, single submitter. Criteria: CeGaT Center For Human Genetics Tuebingen Variant Classification Criteria Version 2. Collection method: clinical testing. Allele origin: germline. Affected: yes. Observed: 1 variant allele.
Comment: CACNA1H: BP4, BP7

Fulgent Genetics
Classification: Likely benign for Epilepsy, childhood absence, susceptibility to, 6; Hyperaldosteronism, familial, type IV. Last evaluated: 2021-07-26. Review status: criteria provided, single submitter. Criteria: ACMG Guidelines, 2015. Collection method: clinical testing. Allele origin: unknown.

Athena Diagnostics
Classification: Benign. Last evaluated: 2018-12-27. Review status: criteria provided, single submitter. Criteria: Athena Diagnostics Criteria. Collection method: clinical testing. Allele origin: germline.

Breakthrough Genomics
Classification: Benign. Review status: criteria provided, single submitter. Criteria: ACMG Guidelines, 2015. Collection method: not provided. Allele origin: germline. Inheritance: Autosomal dominant inheritance. Affected: yes.

NM_021098.3(CACNA1H):c.918C>T (p.Pro306=)

Gene: CACNA1H (calcium voltage-gated channel subunit alpha1 H; plus strand). Cytogenetic location: 16p13.3.
Variant type: single nucleotide variant.
Coding change: c.918C>T on transcript NM_021098.3 (MANE Select); coding-DNA position 918, C replaced by T.
Protein change: p.Pro306=; no amino-acid change (proline 306 retained).
Molecular consequence: synonymous variant.
Genome position (GRCh38, 1-based): chr16:1,200,370, C>T. VCF-style: chr16-1200370-C-T. GRCh37 (hg19) VCF-style: chr16-1250370-C-T.
Other names: c.918C>T, p.Pro306= (NM_001005407.2).
Identifiers: ClinVar variation 774386 (VCV000774386.38), dbSNP rs57468015, ClinGen allele CA7799705.